The following is an entry in ClinVar:

ClinVar aggregate classification (germline): Uncertain significance (1 of 4 stars; one submission).

Allele frequency attached by ClinVar (database versions not stated): gnomAD exomes 0.00001; ExAC 0.00005; ESP Exome Variant Server 0.00008; gnomAD 0.00015; 1000 Genomes Project 30x 0.00016; 1000 Genomes Project 0.00020; TOPMed 0.00022.

Submission:

Labcorp Genetics (formerly Invitae), Labcorp
Classification: Uncertain significance. Last evaluated: 2024-01-30. Review status: criteria provided, single submitter. Criteria: Invitae Variant Classification Sherloc (09022015). Collection method: clinical testing. Allele origin: germline.
Comment: This sequence change replaces alanine, which is neutral and non-polar, with aspartic acid, which is acidic and polar, at codon 842 of the TMEM132E protein (p.Ala842Asp). This variant is present in population databases (rs377008627, gnomAD 0.04%). This variant has not been reported in the literature in individuals affected with TMEM132E-related conditions. Experimental studies and prediction algorithms are not available or were not evaluated, and the functional significance of this variant is currently unknown. In summary, the available evidence is currently insufficient to determine the role of this variant in disease. Therefore, it has been classified as a Variant of Uncertain Significance.

NM_001304438.2(TMEM132E):c.2525C>A (p.Ala842Asp)

Gene: TMEM132E (transmembrane protein 132E; plus strand). Cytogenetic location: 17q12.
Variant type: single nucleotide variant.
Coding change: c.2525C>A on transcript NM_001304438.2 (MANE Select); coding-DNA position 2525, C replaced by A.
Protein change: p.Ala842Asp; replaces alanine 842 with aspartic acid.
Molecular consequence: missense variant.
Genome position (GRCh38, 1-based): chr17:34,637,532, C>A. VCF-style: chr17-34637532-C-A. GRCh37 (hg19) VCF-style: chr17-32964551-C-A.
Other names: short protein forms A842D.
Identifiers: ClinVar variation 2721058 (VCV002721058.3), dbSNP rs377008627, ClinGen allele CA8496978.